The following is an entry in ClinVar:

ClinVar aggregate classification (germline): Uncertain significance (1 of 4 stars; one submission).

Conditions:
Ullrich congenital muscular dystrophy 2 (UCMD2). Identifiers: Orphanet 75840, MedGen C4225314, MONDO:0014654, OMIM 616470.
Bethlem myopathy 2 (BTHLM2). Identifiers: Orphanet 536516, Orphanet 610, MedGen C4225313, MONDO:0034022, OMIM 616471.

Submission:

Labcorp Genetics (formerly Invitae), Labcorp
Classification: Uncertain significance for Bethlem myopathy 2; Ullrich congenital muscular dystrophy 2. Last evaluated: 2024-10-14. Review status: criteria provided, single submitter. Criteria: Invitae Variant Classification Sherloc (09022015). Collection method: clinical testing. Allele origin: germline.
Comment: This sequence change replaces glutamic acid, which is acidic and polar, with glycine, which is neutral and non-polar, at codon 2280 of the COL12A1 protein (p.Glu2280Gly). This variant is not present in population databases (gnomAD no frequency). This variant has not been reported in the literature in individuals affected with COL12A1-related conditions. ClinVar contains an entry for this variant (Variation ID: 2127195). Invitae Evidence Modeling of protein sequence and biophysical properties (such as structural, functional, and spatial information, amino acid conservation, physicochemical variation, residue mobility, and thermodynamic stability) indicates that this missense variant is not expected to disrupt COL12A1 protein function with a negative predictive value of 80%. In summary, the available evidence is currently insufficient to determine the role of this variant in disease. Therefore, it has been classified as a Variant of Uncertain Significance.

NM_004370.6(COL12A1):c.6839A>G (p.Glu2280Gly)

Gene: COL12A1 (collagen type XII alpha 1 chain; minus strand). Cytogenetic location: 6q13.
Variant type: single nucleotide variant.
Coding change: c.6839A>G on transcript NM_004370.6 (MANE Select); coding-DNA position 6839, A replaced by G.
Protein change: p.Glu2280Gly; replaces glutamic acid 2280 with glycine.
Molecular consequence: missense variant.
Genome position (GRCh38, 1-based): chr6:75,123,980, T>C on the plus strand (A>G on the coding strand, the complement: COL12A1 is on the minus strand). VCF-style: chr6-75123980-T-C. GRCh37 (hg19) VCF-style: chr6-75833696-T-C.
Other names: c.3347A>G, p.Glu1116Gly (NM_080645.3); short protein forms E2280G, E1116G.
Identifiers: ClinVar variation 2127195 (VCV002127195.4), dbSNP rs2533228680, ClinGen allele CA364728368.
Genomic context (GRCh38, chr6:75,123,980, plus strand): 5'-AAGCTTTCCAGATTCCTCAAAAACTTACTGGTATGTTCTTTAACAGAGACTCCTGGTCCC[T>C]CGAGATTTGGTGTCTGCACAAAAACAGTGACACCATAATCAGTGTCTGGTGAAAGGCCAG-3'
Protein context (NP_004361.3, residues 2270-2290): VTVFVQTPNL[Glu2280Gly]GPGVSVKEHT